The following is an entry in ClinVar:

ClinVar aggregate classification (germline): Uncertain significance. Review status: criteria provided, multiple submitters, no conflicts (2 of 4 stars). 6 submissions from 6 submitters: Uncertain significance (5). 1 of the submissions does not count toward it. Last evaluated 2024-12-14.

Conditions:
BBS4-related disorder. Also called: BBS4-related condition.
Bardet-Biedl syndrome (BBS). Identifiers: Orphanet 110, MedGen C0752166, MONDO:0015229.
Bardet-Biedl syndrome 4 (BBS4). Identifiers: Orphanet 110, MedGen C2936864, MONDO:0014433, OMIM 615982.
Inborn genetic diseases. Identifiers: MedGen C0950123, MeSH D030342.

Allele frequency attached by ClinVar (database versions not stated): ExAC 0.00002; gnomAD exomes 0.00005 and 0.00012; ESP Exome Variant Server 0.00008; gnomAD 0.00009; TOPMed 0.00009; 1000 Genomes Project 30x 0.00016; 1000 Genomes Project 0.00020.
gnomAD v4.1: 185 of 1,611,590 alleles (0.011%); highest among the groups gnomAD compares: Non-Finnish European, 0.015%; no homozygotes.

Submissions (6):

Ambry Genetics
Classification: Uncertain significance for Inborn genetic diseases. Last evaluated: 2024-12-14. Review status: criteria provided, single submitter. Criteria: Ambry Variant Classification Scheme 2023. Collection method: clinical testing. Allele origin: germline.

Blueprint Genetics
Classification: Uncertain significance. Last evaluated: 2024-11-18. Review status: criteria provided, single submitter. Criteria: ACMG Guidelines, 2015. Collection method: clinical testing. Allele origin: germline.

Fulgent Genetics
Classification: Uncertain significance for Bardet-Biedl syndrome 4. Last evaluated: 2024-04-16. Review status: criteria provided, single submitter. Criteria: ACMG Guidelines, 2015. Collection method: clinical testing. Allele origin: germline.

Labcorp Genetics (formerly Invitae), Labcorp
Classification: Uncertain significance for Bardet-Biedl syndrome. Last evaluated: 2022-10-25. Review status: criteria provided, single submitter. Criteria: Invitae Variant Classification Sherloc (09022015). Collection method: clinical testing. Allele origin: germline.
Comment: This sequence change replaces serine, which is neutral and polar, with cysteine, which is neutral and slightly polar, at codon 110 of the BBS4 protein (p.Ser110Cys). This variant is present in population databases (rs144696430, gnomAD 0.01%). This variant has not been reported in the literature in individuals affected with BBS4-related conditions. ClinVar contains an entry for this variant (Variation ID: 884566). Advanced modeling of protein sequence and biophysical properties (such as structural, functional, and spatial information, amino acid conservation, physicochemical variation, residue mobility, and thermodynamic stability) performed at Invitae indicates that this missense variant is not expected to disrupt BBS4 protein function. In summary, the available evidence is currently insufficient to determine the role of this variant in disease. Therefore, it has been classified as a Variant of Uncertain Significance.

Illumina Laboratory Services, Illumina
Classification: Uncertain significance for Bardet-Biedl syndrome 4. Last evaluated: 2018-01-12. Review status: criteria provided, single submitter. Criteria: ICSL Variant Classification Criteria 13 December 2019. Collection method: clinical testing. Allele origin: germline.

PreventionGenetics, part of Exact Sciences
Classification: Uncertain significance for BBS4-related condition. Last evaluated: 2024-01-03. Review status: no assertion criteria provided. Collection method: clinical testing. Allele origin: germline. Not counted in ClinVar's aggregate classification.
Comment: The BBS4 c.329C>G variant is predicted to result in the amino acid substitution p.Ser110Cys. To our knowledge, this variant has not been reported in the literature. This variant is reported in 0.012% of alleles in individuals of European (non-Finnish) descent in gnomAD. At this time, the clinical significance of this variant is uncertain due to the absence of conclusive functional and genetic evidence.

NM_033028.5(BBS4):c.329C>G (p.Ser110Cys)

Gene: BBS4 (Bardet-Biedl syndrome 4; plus strand). Cytogenetic location: 15q24.1.
Variant type: single nucleotide variant.
Coding change: c.329C>G on transcript NM_033028.5 (MANE Select); coding-DNA position 329, C replaced by G.
Protein change: p.Ser110Cys; replaces serine 110 with cysteine.
Molecular consequence: missense variant. On other transcripts: 5 prime UTR variant (1), non-coding transcript variant (2).
Genome position (GRCh38, 1-based): chr15:72,715,399, C>G. VCF-style: chr15-72715399-C-G. GRCh37 (hg19) VCF-style: chr15-73007740-C-G.
Other names: c.-193C>G (NM_001252678.2); c.329C>G, p.Ser110Cys (NM_001320665.2); c.329C>G (NM_033028.3); short protein forms S110C.
Identifiers: ClinVar variation 884566 (VCV000884566.15), dbSNP rs144696430, ClinGen allele CA7646577.